The following is an entry in ClinVar:

NM_001371072.1(USP11):c.1843+49C>A

Gene: USP11 (ubiquitin specific peptidase 11; plus strand). Cytogenetic location: Xp11.3.
Variant type: single nucleotide variant.
Coding change: c.1843+49C>A on transcript NM_001371072.1 (MANE Select); 49 bases into the intron after coding-DNA position 1843, C replaced by A.
Molecular consequence: intron variant.
Genome position (GRCh38, 1-based): chrX:47,244,599, C>A. VCF-style: chrX-47244599-C-A. GRCh37 (hg19) VCF-style: chrX-47103998-C-A.
Other names: NM_004651.3:c.1972+49C>A.
Identifiers: ClinVar variation 3046172 (VCV003046172.2), dbSNP rs367684076, ClinGen allele CA10397107.
Genomic context (GRCh38, chrX:47,244,599, plus strand): 5'-GGGATGAGAAAGGTGAGGGGGCTAACAGTCAGTGGGCGGGGGCTCTGGGTTAGGTCTGAC[C>A]CACGTAGGGTTCGTCTAGGTGTGCATTGCAGCTTAGCACTTGAGGCTCACACCTTCCCAT-3'

ClinVar aggregate classification (germline): Likely benign (0 of 4 stars; one submission).

Conditions:
USP11-related disorder. Also called: USP11-related condition.

Allele frequency attached by ClinVar (database versions not stated): gnomAD 0.00028; TOPMed 0.00028; ESP Exome Variant Server 0.00047.
gnomAD v4.1: 598 of 1,204,390 alleles (0.05%); highest among the groups gnomAD compares: Non-Finnish European, 0.062%; no homozygotes.

Submission:

PreventionGenetics, part of Exact Sciences
Classification: Likely benign for USP11-related condition. Last evaluated: 2021-04-27. Review status: no assertion criteria provided. Collection method: clinical testing. Allele origin: germline.
Comment: This variant is classified as likely benign based on ACMG/AMP sequence variant interpretation guidelines (Richards et al. 2015 PMID: 25741868, with internal and published modifications).